The following is an entry in ClinVar:

NM_006648.4(WNK2):c.1840A>G (p.Ser614Gly)

Gene: WNK2 (WNK lysine deficient protein kinase 2; plus strand). Cytogenetic location: 9q22.31.
Variant type: single nucleotide variant.
Coding change: c.1840A>G on transcript NM_006648.4 (MANE Select); coding-DNA position 1840, A replaced by G.
Protein change: p.Ser614Gly; replaces serine 614 with glycine.
Molecular consequence: missense variant.
Genome position (GRCh38, 1-based): chr9:93,252,888, A>G. VCF-style: chr9-93252888-A-G. GRCh37 (hg19) VCF-style: chr9-96015170-A-G.
Other names: c.1840A>G, p.Ser614Gly (NM_001282394.3); short protein forms S614G.
Identifiers: ClinVar variation 5031841 (VCV005031841.1).

ClinVar aggregate classification (germline): Uncertain significance (1 of 4 stars; one submission).

gnomAD v4.1: 1 of 1,486,172 alleles (0.000067%); highest among the groups gnomAD compares: South Asian, 0.0013%; no homozygotes.

Submission:

Ambry Genetics
Classification: Uncertain significance. Last evaluated: 2026-07-11. Review status: criteria provided, single submitter. Criteria: Ambry Variant Classification Scheme 2023. Collection method: clinical testing. Allele origin: germline.
Comment: The p.S614G variant (also known as c.1840A>G), located in coding exon 8 of the WNK2 gene, results from an A to G substitution at nucleotide position 1840. The serine at codon 614 is replaced by glycine, an amino acid with similar properties. This amino acid position is conserved. In addition, this alteration is predicted to be tolerated by in silico analysis. Based on the available evidence, the clinical significance of this variant remains unclear.